The following is an entry in ClinVar:

NC_000022.11:g.38016768C>G

Genes: POLR2F (RNA polymerase II, I and III subunit F; plus strand), SOX10 (SRY-box transcription factor 10; minus strand). Cytogenetic location: 22q13.1.
Variant type: single nucleotide variant.
Molecular consequence: intron variant (on NM_001363825.1).
Genome position: GRCh38 VCF-style: chr22-38016768-C-G. GRCh37 (hg19) VCF-style: chr22-38412775-C-G.
Other names: c.*39-24300C>G (NM_001363825.1); c.453-24300C>G (NM_001301130.2); c.294-24300C>G (NM_001301131.2).
Identifiers: ClinVar variation 4994535 (VCV004994535.1).

ClinVar aggregate classification (germline): Likely benign (1 of 4 stars; one submission).

Conditions:
SOX10-related disorder. Also called: SOX10-related condition.

gnomAD v4.1: 1 of 151,894 alleles (0.00066%); highest among the groups gnomAD compares: Non-Finnish European, 0.0015%; no homozygotes.

Submission:

PreventionGenetics, part of Exact Sciences
Classification: Likely benign for SOX10-related condition. Last evaluated: 2025-12-20. Review status: criteria provided, single submitter. Criteria: ACMG Guidelines, 2015. Collection method: clinical testing. Allele origin: germline.
Comment: This variant is classified as likely benign based on ACMG/AMP sequence variant interpretation guidelines (Richards et al. 2015 PMID: 25741868, with internal and published modifications).